The following is an entry in ClinVar:

ClinVar aggregate classification (germline): Pathogenic (1 of 4 stars; one submission).

Conditions:
Polycystic kidney disease 4 (PKD4). Also called: PKD3; Autosomal Recessive Polycystic Kidney Disease – PKHD1; POLYCYSTIC KIDNEY AND HEPATIC DISEASE 1; POLYCYSTIC KIDNEY DISEASE, INFANTILE, TYPE I; POLYCYSTIC KIDNEY DISEASE 4 WITH OR WITHOUT POLYCYSTIC LIVER DISEASE. Identifiers: MedGen C4540575, MONDO:0033004, OMIM 263200.

gnomAD v4.1: 1 of 1,614,144 alleles (0.000062%); highest among the groups gnomAD compares: South Asian, 0.0011%; no homozygotes.

Submission:

Myriad Genetics, Inc.
Classification: Pathogenic for Polycystic kidney disease 4. Last evaluated: 2026-05-05. Review status: criteria provided, single submitter. Criteria: Myriad Autosomal Dominant, Autosomal Recessive and X-Linked Classification Criteria (2023). Collection method: clinical testing. Allele origin: unknown.
Comment: NM_138694.3(PKHD1):c.1056G>A(W352*) is expected to be pathogenic in the context of autosomal recessive polycystic kidney disease, PKHD1-related. This variant is predicted to lead to an abnormal or absent protein product due to the creation of a premature termination codon in PKHD1, a gene where loss-of-function variants are known to be pathogenic. Please note: this variant was assessed in the context of healthy population screening.

NM_138694.4(PKHD1):c.1056G>A (p.Trp352Ter)

Gene: PKHD1 (PKHD1 ciliary IPT domain containing fibrocystin/polyductin; minus strand). Cytogenetic location: 6p12.2.
Variant type: single nucleotide variant.
Coding change: c.1056G>A on transcript NM_138694.4 (MANE Select); coding-DNA position 1056, G replaced by A.
Protein change: p.Trp352Ter; replaces tryptophan 352 with a stop codon.
Molecular consequence: nonsense.
Genome position (GRCh38, 1-based): chr6:52,062,581, C>T on the plus strand (G>A on the coding strand, the complement: PKHD1 is on the minus strand). VCF-style: chr6-52062581-C-T. GRCh37 (hg19) VCF-style: chr6-51927379-C-T.
Other names: c.1056G>A, p.Trp352Ter (NM_170724.3); short protein forms W352*.
Identifiers: ClinVar variation 5015875 (VCV005015875.1).
Genomic context (GRCh38, chr6:52,062,581, plus strand): 5'-GAAAGGTTGTCCTTCCTGTGACCAAAACCCAAATGGAGAACTGGCATTAGGGACAATCTG[C>T]CACCTGTACCCTGGGGTGGCTTCAGTCAGTTCCAGTCCCTCAACAGCATCTCCAACTTCA-3'